The following is an entry in ClinVar:

NM_000540.3(RYR1):c.12523C>T (p.Pro4175Ser)

Gene: RYR1 (ryanodine receptor 1; plus strand). Cytogenetic location: 19q13.2.
Variant type: single nucleotide variant.
Coding change: c.12523C>T on transcript NM_000540.3 (MANE Select); coding-DNA position 12523, C replaced by T.
Protein change: p.Pro4175Ser; replaces proline 4175 with serine.
Molecular consequence: missense variant.
Genome position (GRCh38, 1-based): chr19:38,561,353, C>T. VCF-style: chr19-38561353-C-T. GRCh37 (hg19) VCF-style: chr19-39051993-C-T.
Other names: c.12508C>T, p.Pro4170Ser (NM_001042723.2); short protein forms P4170S, P4175S.
Identifiers: ClinVar variation 662434 (VCV000662434.10), dbSNP rs776736001, ClinGen allele CA405669490.

ClinVar aggregate classification (germline): Uncertain significance (1 of 4 stars; one submission).

Conditions:
RYR1-related disorder. Also called: RYR1-related disorders; RYR1-related condition. Identifiers: MedGen CN239331.

Submission:

Labcorp Genetics (formerly Invitae), Labcorp
Classification: Uncertain significance for RYR1-related disorder. Last evaluated: 2022-07-19. Review status: criteria provided, single submitter. Criteria: Invitae Variant Classification Sherloc (09022015). Collection method: clinical testing. Allele origin: germline.
Comment: In summary, the available evidence is currently insufficient to determine the role of this variant in disease. Therefore, it has been classified as a Variant of Uncertain Significance. Advanced modeling of protein sequence and biophysical properties (such as structural, functional, and spatial information, amino acid conservation, physicochemical variation, residue mobility, and thermodynamic stability) performed at Invitae indicates that this missense variant is not expected to disrupt RYR1 protein function. ClinVar contains an entry for this variant (Variation ID: 662434). This variant has not been reported in the literature in individuals affected with RYR1-related conditions. This variant is not present in population databases (gnomAD no frequency). This sequence change replaces proline, which is neutral and non-polar, with serine, which is neutral and polar, at codon 4175 of the RYR1 protein (p.Pro4175Ser).